The following is an entry in ClinVar:

NM_001283009.2(RTEL1):c.3089C>G (p.Ser1030Trp)

Genes: RTEL1 (regulator of telomere elongation helicase 1; plus strand), RTEL1-TNFRSF6B (RTEL1-TNFRSF6B readthrough (NMD candidate); plus strand). Cytogenetic location: 20q13.33.
Variant type: single nucleotide variant.
Coding change: c.3089C>G on transcript NM_001283009.2 (MANE Select); coding-DNA position 3089, C replaced by G.
Protein change: p.Ser1030Trp; replaces serine 1030 with tryptophan.
Molecular consequence: missense variant. On other transcripts: non-coding transcript variant (1).
Genome position (GRCh38, 1-based): chr20:63,694,468, C>G. VCF-style: chr20-63694468-C-G. GRCh37 (hg19) VCF-style: chr20-62325821-C-G.
Other names: c.2420C>G, p.Ser807Trp (NM_001283010.1); c.3089C>G, p.Ser1030Trp (NM_016434.4); c.3161C>G, p.Ser1054Trp (NM_032957.5); short protein forms S1030W, S807W, S1054W.
Identifiers: ClinVar variation 1442132 (VCV001442132.6), dbSNP rs756579704, ClinGen allele CA409684665.

ClinVar aggregate classification (germline): Uncertain significance. Review status: criteria provided, multiple submitters, no conflicts (2 of 4 stars). 2 submissions from 2 submitters: Uncertain significance (2). Last evaluated 2025-09-21.

Conditions:
Pulmonary fibrosis and/or bone marrow failure, Telomere-related, 3. Also called: PULMONARY FIBROSIS AND/OR BONE MARROW FAILURE SYNDROME, TELOMERE-RELATED, 3. Identifiers: Orphanet 2032, MedGen C4225346, MONDO:0014613, OMIM 616373.
Dyskeratosis congenita, autosomal recessive 5 (DKCB5). Identifiers: MedGen C3554656, MONDO:0014076, OMIM 615190.
Inborn genetic diseases. Identifiers: MedGen C0950123, MeSH D030342.

gnomAD v4.1: 17 of 1,601,924 alleles (0.0011%); highest among the groups gnomAD compares: Non-Finnish European, 0.0014%; no homozygotes.

Submissions (2):

Labcorp Genetics (formerly Invitae), Labcorp
Classification: Uncertain significance for Dyskeratosis congenita, autosomal recessive 5; Pulmonary fibrosis and/or bone marrow failure, Telomere-related, 3. Last evaluated: 2025-09-21. Review status: criteria provided, single submitter. Criteria: Invitae Variant Classification Sherloc (09022015). Collection method: clinical testing. Allele origin: germline.
Comment: This sequence change replaces serine, which is neutral and polar, with tryptophan, which is neutral and slightly polar, at codon 1030 of the RTEL1 protein (p.Ser1030Trp). This variant is not present in population databases (gnomAD no frequency). This variant has not been reported in the literature in individuals affected with RTEL1-related conditions. ClinVar contains an entry for this variant (Variation ID: 1442132). An algorithm developed to predict the effect of missense changes on protein structure and function (PolyPhen-2) suggests that this variant is likely to be disruptive. In summary, the available evidence is currently insufficient to determine the role of this variant in disease. Therefore, it has been classified as a Variant of Uncertain Significance.

Ambry Genetics
Classification: Uncertain significance for Inborn genetic diseases. Last evaluated: 2025-02-06. Review status: criteria provided, single submitter. Criteria: Ambry Variant Classification Scheme 2023. Collection method: clinical testing. Allele origin: germline.
Comment: The p.S1030W variant (also known as c.3089C>G), located in coding exon 30 of the RTEL1 gene, results from a C to G substitution at nucleotide position 3089. The serine at codon 1030 is replaced by tryptophan, an amino acid with highly dissimilar properties. This amino acid position is conserved. In addition, this alteration is predicted to be tolerated by in silico analysis. Based on the available evidence, the clinical significance of this variant remains unclear.